The following is an entry in ClinVar:

ClinVar aggregate classification (germline): Pathogenic (1 of 4 stars; one submission).

Conditions:
Dilated cardiomyopathy 1G (CMD1G). Identifiers: Orphanet 154, MedGen C1858763, MONDO:0011400, OMIM 604145.
Autosomal recessive limb-girdle muscular dystrophy type 2J (LGMDR10). Also called: Limb-girdle muscular dystrophy, type 2J; MUSCULAR DYSTROPHY, LIMB-GIRDLE, AUTOSOMAL RECESSIVE 10. Identifiers: Orphanet 140922, MedGen C1837342, MONDO:0012127, OMIM 608807.

Submission:

Labcorp Genetics (formerly Invitae), Labcorp
Classification: Pathogenic for Dilated cardiomyopathy 1G; Autosomal recessive limb-girdle muscular dystrophy type 2J. Last evaluated: 2024-10-15. Review status: criteria provided, single submitter. Criteria: Invitae Variant Classification Sherloc (09022015). Collection method: clinical testing. Allele origin: germline.
Comment: This sequence change creates a premature translational stop signal (p.Glu28338Hisfs*9) in the TTN gene. While this is not anticipated to result in nonsense mediated decay, it is expected to create a truncated TTN protein. This variant is not present in population databases (gnomAD no frequency). This premature translational stop signal has been observed in individual(s) with autosomal dominant dilated cardiomyopathy and/or autosomal recessive TTN-related myopathy (PMID: 27796757; internal data). It has also been observed to segregate with disease in related individuals. ClinVar contains an entry for this variant (Variation ID: 1076903). This variant is located in the A band of TTN (PMID: 25589632). Truncating variants in this region are significantly overrepresented in patients affected with dilated cardiomyopathy (PMID: 25589632). Truncating variants in this region have also been reported in individuals affected with autosomal recessive centronuclear myopathy (PMID: 23975875). For these reasons, this variant has been classified as Pathogenic.

Literature cited by the submitters: PubMed 27796757; PubMed 25589632; PubMed 23975875.

NM_001267550.2(TTN):c.85011_85014del (p.Glu28338fs)

Genes: TTN (titin; minus strand), TTN-AS1 (TTN antisense RNA 1; plus strand). Cytogenetic location: 2q31.2.
Variant type: Deletion.
Coding change: c.85011_85014del on transcript NM_001267550.2 (MANE Select); coding-DNA positions 85011 to 85014, 4 bases deleted (TGAG; older notation c.85011_85014delTGAG).
Protein change: p.Glu28338fs; shifts the reading frame from glutamic acid 28338.
Molecular consequence: frameshift variant.
Genome position (GRCh38, 1-based): chr2:178,561,118-178,561,121, CTCA deleted on the plus strand (TGAG on the coding strand, the reverse complement: TTN is on the minus strand); deleting any 4 consecutive bases within chr2:178,561,118-178,561,123 gives the same sequence; the c. name uses the placement nearest the transcript's 3' end. VCF-style (leftmost placement, unchanged base first): chr2-178561117-GCTCA-G. GRCh37 (hg19) VCF-style: chr2-179425844-GCTCA-G.
Other names: c.80088_80091del, p.Glu26697fs (NM_001256850.1); c.57816_57819del, p.Glu19273fs (NM_003319.4); c.77307_77310del, p.Glu25770fs (NM_133378.4); c.58191_58194del, p.Glu19398fs (NM_133432.3); c.58392_58395del, p.Glu19465fs (NM_133437.4); short protein forms E19273fs, E19398fs, E19465fs, E25770fs, E26697fs, E28338fs.
Identifiers: ClinVar variation 1076903 (VCV001076903.9), dbSNP rs2154159327, ClinGen allele CA2499215342.